The following is an entry in ClinVar:

NM_000038.6(APC):c.7708T>G (p.Ser2570Ala)

Gene: APC (APC regulator of Wnt signaling pathway; plus strand). Cytogenetic location: 5q22.2.
Variant type: single nucleotide variant.
Coding change: c.7708T>G on transcript NM_000038.6 (MANE Select); coding-DNA position 7708, T replaced by G.
Protein change: p.Ser2570Ala; replaces serine 2570 with alanine.
Molecular consequence: missense variant. On other transcripts: non-coding transcript variant (2).
Genome position (GRCh38, 1-based): chr5:112,843,302, T>G. VCF-style: chr5-112843302-T-G. GRCh37 (hg19) VCF-style: chr5-112178999-T-G.
Other names: c.7405T>G, p.Ser2469Ala (NM_001354903.2, NM_001407459.1, NM_001407458.1 and 1 more transcripts); c.6859T>G, p.Ser2287Ala (NM_001354906.2, NM_001407470.1); c.7792T>G, p.Ser2598Ala (NM_001407446.1); c.7330T>G, p.Ser2444Ala (NM_001354904.2); c.7228T>G, p.Ser2410Ala (NM_001354905.2); c.7762T>G, p.Ser2588Ala (NM_001407447.1, NM_001407448.1, NM_001407449.1 and 1 more transcripts); c.7678T>G, p.Ser2560Ala (NM_001407452.1); c.7531T>G, p.Ser2511Ala (NM_001407453.1, NM_001354901.2); and 11 more; short protein forms S2410A, S2444A, S2545A, S2552A, S2588A, S2529A, S2560A, S2186A.
Identifiers: ClinVar variation 2820230 (VCV002820230.3), dbSNP rs2149992325, ClinGen allele CA16038076.
Genomic context (GRCh38, chr5:112,843,302, plus strand): 5'-GAGCACAGCAAACATTCATCATCCCTTCCTCGAGTAAGCACTTGGAGAAGAACTGGAAGT[T>G]CATCTTCAATTCTTTCTGCTTCATCAGAATCCAGTGAAAAAGCAAAAAGTGAGGATGAAA-3'
Protein context (NP_000029.2, residues 2560-2580): RVSTWRRTGS[Ser2570Ala]SSILSASSES

ClinVar aggregate classification (germline): Uncertain significance (1 of 4 stars; one submission).

Conditions:
Familial adenomatous polyposis 1 (FAP1). Also called: FAMILIAL ADENOMATOUS POLYPOSIS 1, ATTENUATED; POLYPOSIS, ADENOMATOUS INTESTINAL. Identifiers: MedGen C2713442, MONDO:0021056, OMIM 175100. Disease mechanism: loss of function.

Submission:

Labcorp Genetics (formerly Invitae), Labcorp
Classification: Uncertain significance for Familial adenomatous polyposis 1. Last evaluated: 2022-12-12. Review status: criteria provided, single submitter. Criteria: Invitae Variant Classification Sherloc (09022015). Collection method: clinical testing. Allele origin: germline.
Comment: In summary, the available evidence is currently insufficient to determine the role of this variant in disease. Therefore, it has been classified as a Variant of Uncertain Significance. Advanced modeling of protein sequence and biophysical properties (such as structural, functional, and spatial information, amino acid conservation, physicochemical variation, residue mobility, and thermodynamic stability) performed at Invitae indicates that this missense variant is not expected to disrupt APC protein function. This variant has not been reported in the literature in individuals affected with APC-related conditions. This variant is not present in population databases (gnomAD no frequency). This sequence change replaces serine, which is neutral and polar, with alanine, which is neutral and non-polar, at codon 2570 of the APC protein (p.Ser2570Ala).